The following is an entry in ClinVar:

NM_001134831.2(AHI1):c.430del (p.Glu144fs)

Gene: AHI1 (Abelson helper integration site 1; minus strand). Cytogenetic location: 6q23.3.
Variant type: Deletion.
Coding change: c.430del on transcript NM_001134831.2 (MANE Select); coding-DNA position 430, one base deleted (G; older notation c.430delG).
Protein change: p.Glu144fs; shifts the reading frame from glutamic acid 144.
Molecular consequence: frameshift variant.
Genome position (GRCh38, 1-based): chr6:135,466,133, C deleted on the plus strand (G on the coding strand, the reverse complement: AHI1 is on the minus strand); the first of 2 consecutive C bases (chr6:135,466,133-135,466,134); deleting either gives the same sequence. VCF-style (leftmost placement, unchanged base first): chr6-135466132-TC-T. GRCh37 (hg19) VCF-style: chr6-135787270-TC-T.
Other names: c.430del, p.Glu144fs (NM_001134830.2, NM_001134832.2, NM_001350503.2 and 2 more transcripts); c.430del (NM_017651.4); short protein forms E144fs.
Identifiers: ClinVar variation 1213815 (VCV001213815.5), dbSNP rs2128098409, ClinGen allele CA2499218115.

ClinVar aggregate classification (germline): Pathogenic/Likely pathogenic. Review status: criteria provided, multiple submitters, no conflicts (2 of 4 stars). 3 submissions from 3 submitters: Pathogenic (1); Likely pathogenic (2). Last evaluated 2024-05-17.

Conditions:
Joubert syndrome. Also called: CEREBELLOPARENCHYMAL DISORDER IV; JOUBERT-BOLTSHAUSER SYNDROME; Familial aplasia of the vermis. Identifiers: Orphanet 475, MedGen C5979921, MONDO:0018772.
Joubert syndrome 3 (JBTS3). Also called: AHI1-related Ciliopathy. Identifiers: Orphanet 220493, MedGen C1837713, MONDO:0012078, OMIM 608629.

Submissions (3):

Fulgent Genetics
Classification: Likely pathogenic for Joubert syndrome 3. Last evaluated: 2024-05-17. Review status: criteria provided, single submitter. Criteria: ACMG Guidelines, 2015. Collection method: clinical testing. Allele origin: germline.

Labcorp Genetics (formerly Invitae), Labcorp
Classification: Pathogenic for Joubert syndrome. Last evaluated: 2023-07-20. Review status: criteria provided, single submitter. Criteria: Invitae Variant Classification Sherloc (09022015). Collection method: clinical testing. Allele origin: germline.
Comment: ClinVar contains an entry for this variant (Variation ID: 1213815). This sequence change creates a premature translational stop signal (p.Glu144Lysfs*39) in the AHI1 gene. It is expected to result in an absent or disrupted protein product. Loss-of-function variants in AHI1 are known to be pathogenic (PMID: 15322546, 16453322, 28442542, 29186038). This variant is not present in population databases (gnomAD no frequency). This variant has not been reported in the literature in individuals affected with AHI1-related conditions. For these reasons, this variant has been classified as Pathogenic.

New York Genome Center
Classification: Likely pathogenic for Joubert syndrome 3. Last evaluated: 2020-09-23. Review status: criteria provided, single submitter. Criteria: NYGC Assertion Criteria 2020. Collection method: clinical testing. Allele origin: germline. Observed: 1 heterozygote. Study: CSER-NYCKidSeq.

Literature cited by the submitters: PubMed 15322546 (cited by Labcorp Genetics (formerly Invitae), Labcorp); PubMed 16453322 (cited by Labcorp Genetics (formerly Invitae), Labcorp); PubMed 28442542 (cited by Labcorp Genetics (formerly Invitae), Labcorp); PubMed 29186038 (cited by Labcorp Genetics (formerly Invitae), Labcorp).